The following is an entry in ClinVar:

ClinVar aggregate classification (germline): Benign. Review status: criteria provided, multiple submitters, no conflicts (2 of 4 stars). 5 submissions from 5 submitters: Benign (4). 1 of the submissions does not count toward it. Last evaluated 2026-02-02.

Conditions:
MME-related disorder. Also called: MME-related condition.

Allele frequency attached by ClinVar (database versions not stated): 1000 Genomes Project 0.00719; 1000 Genomes Project 30x 0.00734; TOPMed 0.01559; gnomAD exomes 0.01638 and 0.02384; ExAC 0.01644; gnomAD 0.01673; ESP Exome Variant Server 0.02022.
gnomAD v4.1: 37,221 of 1,613,950 alleles (2.3%); highest among the groups gnomAD compares: Non-Finnish European, 2.7%; 525 homozygotes.

Submissions (13):

Labcorp Genetics (formerly Invitae), Labcorp
Classification: Benign. Last evaluated: 2026-02-02. Review status: criteria provided, single submitter. Criteria: Invitae Variant Classification Sherloc (09022015). Collection method: clinical testing. Allele origin: germline.

Mayo Clinic Laboratories, Mayo Clinic
Classification: Benign. Last evaluated: 2022-12-23. Review status: criteria provided, single submitter. Criteria: ACMG Guidelines, 2015. Collection method: clinical testing. Allele origin: germline. Observed: 54 variant alleles.
Comment: BS1, BS2

GeneDx
Classification: Benign. Last evaluated: 2019-02-19. Review status: criteria provided, single submitter. Criteria: GeneDx Variant Classification Process June 2021. Collection method: clinical testing. Allele origin: germline. Affected: yes.

Breakthrough Genomics
Classification: Benign. Review status: criteria provided, single submitter. Criteria: ACMG Guidelines, 2015. Collection method: not provided. Allele origin: germline. Inheritance: Autosomal recessive inheritance. Affected: yes.

PreventionGenetics, part of Exact Sciences
Classification: Benign for MME-related condition. Last evaluated: 2019-05-08. Review status: no assertion criteria provided. Collection method: clinical testing. Allele origin: germline. Not counted in ClinVar's aggregate classification.
Comment: This variant is classified as benign based on ACMG/AMP sequence variant interpretation guidelines (Richards et al. 2015 PMID: 25741868, with internal and published modifications).

Dr. Peter K. Rogan Lab, Western University
No classification provided (evidence only). Condition: Cervical cancer. Review status: no classification provided. Collection method: in vitro. Allele origin: not applicable. Functional consequence: retained intron. Not counted in ClinVar's aggregate classification.

Dr. Peter K. Rogan Lab, Western University
No classification provided (evidence only). Condition: Cervical cancer. Review status: no classification provided. Collection method: in vitro. Allele origin: not applicable. Functional consequence: retained intron. Not counted in ClinVar's aggregate classification.

Dr. Peter K. Rogan Lab, Western University
No classification provided (evidence only). Condition: Sarcoma. Review status: no classification provided. Collection method: in vitro. Allele origin: not applicable. Functional consequence: retained intron. Not counted in ClinVar's aggregate classification.

Dr. Peter K. Rogan Lab, Western University
No classification provided (evidence only). Condition: Hepatocellular carcinoma. Review status: no classification provided. Collection method: in vitro. Allele origin: not applicable. Functional consequence: retained intron. Not counted in ClinVar's aggregate classification.

Dr. Peter K. Rogan Lab, Western University
No classification provided (evidence only). Condition: Hepatocellular carcinoma. Review status: no classification provided. Collection method: in vitro. Allele origin: not applicable. Functional consequence: retained intron. Not counted in ClinVar's aggregate classification.

Dr. Peter K. Rogan Lab, Western University
No classification provided (evidence only). Condition: Nonpapillary renal cell carcinoma. Review status: no classification provided. Collection method: in vitro. Allele origin: not applicable. Functional consequence: retained intron. Not counted in ClinVar's aggregate classification.

Dr. Peter K. Rogan Lab, Western University
No classification provided (evidence only). Condition: Uveal melanoma. Review status: no classification provided. Collection method: in vitro. Allele origin: not applicable. Functional consequence: retained intron. Not counted in ClinVar's aggregate classification.

Dr. Peter K. Rogan Lab, Western University
No classification provided (evidence only). Condition: Uveal melanoma. Review status: no classification provided. Collection method: in vitro. Allele origin: not applicable. Functional consequence: retained intron. Not counted in ClinVar's aggregate classification.

Literature cited by the submitters: PubMed 33144514 (cited by Mayo Clinic Laboratories, Mayo Clinic).

NM_007289.4(MME):c.22A>G (p.Met8Val)

Gene: MME (membrane metalloendopeptidase; plus strand). Cytogenetic location: 3q25.2.
Variant type: single nucleotide variant.
Coding change: c.22A>G on transcript NM_007289.4 (MANE Select); coding-DNA position 22, A replaced by G.
Protein change: p.Met8Val; replaces methionine 8 with valine.
Molecular consequence: missense variant.
Genome position (GRCh38, 1-based): chr3:155,084,189, A>G. VCF-style: chr3-155084189-A-G. GRCh37 (hg19) VCF-style: chr3-154801978-A-G.
Other names: p.Met8Val; c.22A>G, p.Met8Val (NM_000902.5, NM_001354642.2, NM_001354643.1 and 3 more transcripts); c.22A>G (NM_007289.3); short protein forms M8V.
Identifiers: ClinVar variation 1221640 (VCV001221640.16), dbSNP rs61762319, ClinGen allele CA2674987.
Genomic context (GRCh38, chr3:155,084,189, plus strand): 5'-TTCATTATTAGTATTTTCATTTTTTGCAGATTTTAGGTGATGGGCAAGTCAGAAAGTCAG[A>G]TGGATATAACTGATATCAACACTCCAAAGCCAAAGAAGAAACAGCGATGGACTCCACTGG-3'
Protein context (NP_009220.2, residues 1-18): MGKSESQ[Met8Val]DITDINTPKP